The following is an entry in ClinVar:

ClinVar aggregate classification (germline): Likely benign (1 of 4 stars; one submission).

Conditions:
Congenital generalized lipodystrophy type 4. Also called: BERARDINELLI-SEIP CONGENITAL LIPODYSTROPHY, TYPE 4, WITH MUSCULAR DYSTROPHY. Identifiers: Orphanet 228429, MedGen C2750069, MONDO:0013225, OMIM 613327.

Allele frequency attached by ClinVar (database versions not stated): gnomAD exomes 0.00137; gnomAD 0.01643 and 0.01753; 1000 Genomes Project 0.01837; TOPMed 0.01890; 1000 Genomes Project 30x 0.01983.
gnomAD v4.1: 2,560 of 207,114 alleles (1.2%); highest among the groups gnomAD compares: African/African-American, 5.6%; 62 homozygotes.

Submission:

Illumina Laboratory Services, Illumina
Classification: Likely benign for Congenital generalized lipodystrophy type 4. Last evaluated: 2017-04-27. Review status: criteria provided, single submitter. Criteria: ICSL Variant Classification Criteria 13 December 2019. Collection method: clinical testing. Allele origin: germline.
Comment: This variant was observed as part of a predisposition screen in an ostensibly healthy population. A literature search was performed for the gene, cDNA change, and amino acid change (where applicable). No publications were found based on this search. Allele frequency data from public databases allowed determination this variant is unlikely to cause disease. Therefore, this variant is classified as likely benign.

NM_012232.6(CAVIN1):c.*347C>A

Gene: CAVIN1 (caveolae associated protein 1; minus strand). Cytogenetic location: 17q21.2.
Variant type: single nucleotide variant.
Coding change: c.*347C>A on transcript NM_012232.6 (MANE Select); 347 bases downstream of the stop codon, C replaced by A.
Molecular consequence: 3 prime UTR variant.
Genome position (GRCh38, 1-based): chr17:42,404,340, G>T on the plus strand (C>A on the coding strand, the complement: CAVIN1 is on the minus strand). VCF-style: chr17-42404340-G-T. GRCh37 (hg19) VCF-style: chr17-40556358-G-T.
Identifiers: ClinVar variation 323273 (VCV000323273.5), dbSNP rs7220527, ClinGen allele CA10639684.
Genomic context (GRCh38, chr17:42,404,340, plus strand): 5'-GTCCCCCAGGGATCAGGGTGAGAATGAAGAAGAGCTCAGTGAGCGGAATGACAGCAGCTG[G>T]GTGGGTGGTGTGGGGAGAGGCTGAGGGGAAGGCAGCCCCCCCAGGGGGGCCTAACCGTGG-3'